The following is an entry in ClinVar:

ClinVar aggregate classification (germline): Pathogenic (1 of 4 stars; one submission).

Conditions:
Pontocerebellar hypoplasia type 9. Identifiers: Orphanet 369920, MedGen C4014354, MONDO:0014351, OMIM 615809.
Hereditary spastic paraplegia 63. Also called: Spastic paraplegia 63, autosomal recessive. Identifiers: Orphanet 401805, MedGen C3810295, MONDO:0014305, OMIM 615686.

Submission:

Labcorp Genetics (formerly Invitae), Labcorp
Classification: Pathogenic for Pontocerebellar hypoplasia type 9; Hereditary spastic paraplegia 63. Last evaluated: 2025-12-07. Review status: criteria provided, single submitter. Criteria: Invitae Variant Classification Sherloc (09022015). Collection method: clinical testing. Allele origin: germline.
Comment: This sequence change creates a premature translational stop signal (p.Cys41Leufs*32) in the AMPD2 gene. It is expected to result in an absent or disrupted protein product. Loss-of-function variants in AMPD2 are known to be pathogenic (PMID: 23911318). This variant is present in population databases (rs758939284, gnomAD 0.004%). This variant has not been reported in the literature in individuals affected with AMPD2-related conditions. For these reasons, this variant has been classified as Pathogenic.

Literature cited by the submitters: PubMed 23911318.

NM_001368809.2(AMPD2):c.-42dup

Gene: AMPD2 (adenosine monophosphate deaminase 2; plus strand). Cytogenetic location: 1p13.3.
Variant type: Duplication.
Coding change: c.-42dup on transcript NM_001368809.2 (MANE Select); 42 bases upstream of the start codon, one base duplicated (T; older notation c.-42dupT).
Molecular consequence: 5 prime UTR variant. On other transcripts: frameshift variant (1), intron variant (1).
Genome position (GRCh38, 1-based): chr1:109,621,134, T duplicated. VCF-style (leftmost placement, unchanged base first): chr1-109621133-G-GT. GRCh37 (hg19) VCF-style: chr1-110163755-G-GT.
Other names: c.27dup, p.Ala10fs (NM_001308170.1); c.10+856dup (NM_139156.4); short protein forms A10fs.
Identifiers: ClinVar variation 4790266 (VCV004790266.1).